The following is an entry in ClinVar:

NM_001031836.3(KCNU1):c.420T>C (p.Pro140=)

Gene: KCNU1 (potassium calcium-activated channel subfamily U member 1; plus strand). Cytogenetic location: 8p11.23.
Variant type: single nucleotide variant.
Coding change: c.420T>C on transcript NM_001031836.3 (MANE Select); coding-DNA position 420, T replaced by C.
Protein change: p.Pro140=; no amino-acid change (proline 140 retained).
Molecular consequence: synonymous variant. On other transcripts: non-coding transcript variant (1).
Genome position (GRCh38, 1-based): chr8:36,805,237, T>C. VCF-style: chr8-36805237-T-C. GRCh37 (hg19) VCF-style: chr8-36662755-T-C.
Identifiers: ClinVar variation 4823650 (VCV004823650.4).

ClinVar aggregate classification (germline): Likely benign (1 of 4 stars; one submission).

Submission:

CeGaT Center for Human Genetics Tuebingen
Classification: Likely benign. Last evaluated: 2026-03-01. Review status: criteria provided, single submitter. Criteria: CeGaT Center For Human Genetics Tuebingen Variant Classification Criteria Version 2. Collection method: clinical testing. Allele origin: germline. Affected: yes. Observed: 1 variant allele.
Comment: KCNU1: PM2:Supporting, BP4, BP7